The following is an entry in ClinVar:

NC_000015.9:g.(?_91290623)_(91293317_?)del

Gene: BLM (BLM RecQ like helicase; plus strand). Cytogenetic location: 15q26.1.
Variant type: Deletion.
Identifiers: ClinVar variation 3243690 (VCV003243690.1).

ClinVar aggregate classification (germline): Pathogenic (1 of 4 stars; one submission).

Conditions:
Bloom syndrome (BLM). Also called: Bloom-Torre-Machacek syndrome. Identifiers: Orphanet 125, MedGen C0005859, MONDO:0008876, OMIM 210900.

Submission:

Labcorp Genetics (formerly Invitae), Labcorp
Classification: Pathogenic for Bloom syndrome. Last evaluated: 2023-09-19. Review status: criteria provided, single submitter. Criteria: Invitae Variant Classification Sherloc (09022015). Collection method: clinical testing. Allele origin: unknown.
Comment: This variant is a gross deletion of the genomic region encompassing exon(s) 2-3 of the BLM gene, which includes the initiator codon. This deletion extends beyond the assayed region for this gene and therefore may encompass additional genes. It is expected to result in an absent or disrupted protein product. Loss-of-function variants in BLM are known to be pathogenic (PMID: 17407155). This variant has not been reported in the literature in individuals affected with BLM-related conditions. For these reasons, this variant has been classified as Pathogenic.

Literature cited by the submitters: PubMed 17407155.